The following is an entry in ClinVar:

NR_003051.4(RMRP):n.72A>T

Gene: RMRP (RNA component of mitochondrial RNA processing endoribonuclease; minus strand). Cytogenetic location: 9p13.3.
Variant type: single nucleotide variant.
Molecular consequence: non-coding transcript variant (on NR_003051.4).
Genome position: GRCh38 VCF-style: chr9-35657948-T-A. GRCh37 (hg19) VCF-style: chr9-35657945-T-A.
Identifiers: ClinVar variation 3339523 (VCV003339523.1).

ClinVar aggregate classification (germline): Uncertain significance (1 of 4 stars; one submission).

Submission:

Women's Health and Genetics/Laboratory Corporation of America, LabCorp
Classification: Uncertain significance. Last evaluated: 2024-06-14. Review status: criteria provided, single submitter. Criteria: LabCorp Variant Classification Summary - May 2015. Collection method: clinical testing. Allele origin: germline.
Comment: Variant summary: RMRP n.71A>T alters a nucleotide in the non-coding RNA. The variant was absent in 130486 control chromosomes. The available data on variant occurrences in the general population are insufficient to allow any conclusion about variant significance. To our knowledge, no occurrence of n.71A>T in individuals affected with Cartilage-Hair Hypoplasia and no experimental evidence demonstrating its impact on protein function have been reported. No submitters have cited clinical-significance assessments for this variant to ClinVar. Based on the evidence outlined above, the variant was classified as uncertain significance.